The following is an entry in ClinVar:

ClinVar aggregate classification (germline): Uncertain significance (1 of 4 stars; one submission).

Allele frequency attached by ClinVar (database versions not stated): gnomAD exomes below 0.00001.
gnomAD v4.1: 3 of 1,210,877 alleles (0.00025%); highest among the groups gnomAD compares: South Asian, 0.0018%; no homozygotes.

Submission:

Labcorp Genetics (formerly Invitae), Labcorp
Classification: Uncertain significance. Last evaluated: 2022-06-27. Review status: criteria provided, single submitter. Criteria: Invitae Variant Classification Sherloc (09022015). Collection method: clinical testing. Allele origin: germline.
Comment: Algorithms developed to predict the effect of missense changes on protein structure and function are either unavailable or do not agree on the potential impact of this missense change (SIFT: "Tolerated"; PolyPhen-2: "Probably Damaging"; Align-GVGD: "Class C0"). This variant has not been reported in the literature in individuals affected with RBM10-related conditions. This variant is not present in population databases (gnomAD no frequency). This sequence change replaces glycine, which is neutral and non-polar, with serine, which is neutral and polar, at codon 100 of the RBM10 protein (p.Gly100Ser). In summary, the available evidence is currently insufficient to determine the role of this variant in disease. Therefore, it has been classified as a Variant of Uncertain Significance.

NM_005676.5(RBM10):c.298G>A (p.Gly100Ser)

Gene: RBM10 (RNA binding motif protein 10; plus strand). Cytogenetic location: Xp11.3.
Variant type: single nucleotide variant.
Coding change: c.298G>A on transcript NM_005676.5 (MANE Select); coding-DNA position 298, G replaced by A.
Protein change: p.Gly100Ser; replaces glycine 100 with serine.
Molecular consequence: missense variant. On other transcripts: intron variant (2).
Genome position (GRCh38, 1-based): chrX:47,171,124, G>A. VCF-style: chrX-47171124-G-A. GRCh37 (hg19) VCF-style: chrX-47030523-G-A.
Other names: c.298G>A, p.Gly100Ser (NM_001204467.2); c.493G>A, p.Gly165Ser (NM_001204468.2); c.201+1626G>A (NM_001204466.2, NM_152856.3); short protein forms G100S, G165S.
Identifiers: ClinVar variation 1996791 (VCV001996791.4), dbSNP rs2147135717, ClinGen allele CA412790982.
Genomic context (GRCh38, chrX:47,171,124, plus strand): 5'-CGTAGGCGGCGGCGGCGGCACAGGCACAGCCCCACCGGCCCGCCAGGCTTCCCCCGAGAC[G>A]GCGACTATCGGGACCAGGACTATCGGACCGAGCAAGGGGAGGAGGAGGAGGAGGAGGAGG-3'
Protein context (NP_005667.2, residues 90-110): PTGPPGFPRD[Gly100Ser]DYRDQDYRTE